The following is an entry in ClinVar:

NM_006269.2(RP1):c.2412C>A (p.His804Gln)

Gene: RP1 (RP1 axonemal microtubule associated; plus strand). Cytogenetic location: 8q12.1.
Variant type: single nucleotide variant.
Coding change: c.2412C>A on transcript NM_006269.2 (MANE Select); coding-DNA position 2412, C replaced by A.
Protein change: p.His804Gln; replaces histidine 804 with glutamine.
Molecular consequence: missense variant. On other transcripts: intron variant (1).
Genome position (GRCh38, 1-based): chr8:54,626,294, C>A. VCF-style: chr8-54626294-C-A. GRCh37 (hg19) VCF-style: chr8-55538854-C-A.
Other names: c.2412C>A (NM_006269.1); c.787+4006C>A (NM_001375654.1); short protein forms H804Q.
Identifiers: ClinVar variation 2860394 (VCV002860394.5), dbSNP rs2536574816, ClinGen allele CA370993744.
Genomic context (GRCh38, chr8:54,626,294, plus strand): 5'-AATAAGCTTAGGAGCACCTAAAAAAAGAGAAATCGGTCAAAGAGATAAAGTGTTTCCTCA[C>A]AATGAATCTAAATATTGCAAAAGTACTTTTGAAAACAAAAGTTTATTTCATGTATTTAAC-3'
Protein context (NP_006260.1, residues 794-814): EIGQRDKVFP[His804Gln]NESKYCKSTF

ClinVar aggregate classification (germline): Uncertain significance. Review status: criteria provided, multiple submitters, no conflicts (2 of 4 stars). 3 submissions from 3 submitters: Uncertain significance (3). Last evaluated 2025-12-17.

Conditions:
Inborn genetic diseases. Identifiers: MedGen C0950123, MeSH D030342.

Submissions (3):

Ambry Genetics
Classification: Uncertain significance for Inborn genetic diseases. Last evaluated: 2025-12-17. Review status: criteria provided, single submitter. Criteria: Ambry Variant Classification Scheme 2023. Collection method: clinical testing. Allele origin: germline.

Labcorp Genetics (formerly Invitae), Labcorp
Classification: Uncertain significance. Last evaluated: 2023-04-28. Review status: criteria provided, single submitter. Criteria: Invitae Variant Classification Sherloc (09022015). Collection method: clinical testing. Allele origin: germline.
Comment: In summary, the available evidence is currently insufficient to determine the role of this variant in disease. Therefore, it has been classified as a Variant of Uncertain Significance. Algorithms developed to predict the effect of missense changes on protein structure and function output the following: SIFT: "Not Available"; PolyPhen-2: "Benign"; Align-GVGD: "Not Available". The glutamine amino acid residue is found in multiple mammalian species, which suggests that this missense change does not adversely affect protein function. This variant has not been reported in the literature in individuals affected with RP1-related conditions. This variant is not present in population databases (gnomAD no frequency). This sequence change replaces histidine, which is basic and polar, with glutamine, which is neutral and polar, at codon 804 of the RP1 protein (p.His804Gln).

Breakthrough Genomics
Classification: Uncertain significance. Review status: criteria provided, single submitter. Criteria: ACMG Guidelines, 2015. Collection method: not provided. Allele origin: germline. Inheritance: Autosomal recessive inheritance. Affected: yes.